The following is an entry in ClinVar:

NC_000009.12:g.(?_370210)_(452137_?)del

Gene: DOCK8 (dedicator of cytokinesis 8; plus strand). Cytogenetic location: 9p24.3.
Variant type: Deletion.
Identifiers: ClinVar variation 831756 (VCV000831756.9).

ClinVar aggregate classification (germline): Pathogenic (1 of 4 stars; one submission).

Conditions:
Hyper-IgE recurrent infection syndrome 3, autosomal recessive. Also called: Autosomal recessive hyper-IgE syndrome due to ZNF341 deficiency; HYPER-IgE SYNDROME 3, AUTOSOMAL RECESSIVE, WITH RECURRENT INFECTIONS. Identifiers: Orphanet 641368, MedGen C4748969, MONDO:0032654, OMIM 618282.

Submission:

Labcorp Genetics (formerly Invitae), Labcorp
Classification: Pathogenic for Combined immunodeficiency due to DOCK8 deficiency. Last evaluated: 2019-02-23. Review status: criteria provided, single submitter. Criteria: Invitae Variant Classification Sherloc (09022015). Collection method: clinical testing. Allele origin: germline.
Comment: For these reasons, this variant has been classified as Pathogenic. Loss-of-function variants in DOCK8 are known to be pathogenic (PMID: 14722525, 19776401). This variant has not been reported in the literature in individuals with DOCK8-related conditions. This variant is an out-of-frame deletion of the genomic region encompassing exons 16-46 of the DOCK8 gene. This is expected to create a premature translational stop signal and result in an absent or disrupted protein product.

Literature cited by the submitters: PubMed 14722525; PubMed 19776401.